The following is an entry in ClinVar:

ClinVar aggregate classification (germline): Uncertain significance (1 of 4 stars; one submission).

Submission:

Labcorp Genetics (formerly Invitae), Labcorp
Classification: Uncertain significance. Last evaluated: 2024-01-06. Review status: criteria provided, single submitter. Criteria: Invitae Variant Classification Sherloc (09022015). Collection method: clinical testing. Allele origin: unknown.
Comment: This variant results in a copy number gain of the genomic region encompassing exon(s) 1-36 of the POLA1 gene. This region includes the initiator codon of the gene. This copy number gain extends beyond the assayed region for this gene and therefore may encompass additional genes. As the precise location of this event is unknown, it may be in tandem or it may be located elsewhere in the genome. This variant has not been reported in the literature in individuals affected with POLA1-related conditions. In summary, the available evidence is currently insufficient to determine the role of this variant in disease. Therefore, it has been classified as a Variant of Uncertain Significance.

NC_000023.10:g.(?_24712079)_(24948686_?)dup

Gene: POLA1 (DNA polymerase alpha 1, catalytic subunit; plus strand). Cytogenetic location: Xp22.11-21.3.
Variant type: Duplication.
Identifiers: ClinVar variation 3246807 (VCV003246807.1).